The following is an entry in ClinVar:

NM_002180.3(IGHMBP2):c.4G>T (p.Ala2Ser)

Gene: IGHMBP2 (immunoglobulin mu DNA binding protein 2; plus strand). Cytogenetic location: 11q13.3.
Variant type: single nucleotide variant.
Coding change: c.4G>T on transcript NM_002180.3 (MANE Select); coding-DNA position 4, G replaced by T.
Protein change: p.Ala2Ser; replaces alanine 2 with serine.
Molecular consequence: missense variant.
Genome position (GRCh38, 1-based): chr11:68,903,956, G>T. VCF-style: chr11-68903956-G-T. GRCh37 (hg19) VCF-style: chr11-68671424-G-T.
Other names: short protein forms A2S.
Identifiers: ClinVar variation 466595 (VCV000466595.9), dbSNP rs778232785, ClinGen allele CA223381807.

ClinVar aggregate classification (germline): Uncertain significance. Review status: criteria provided, multiple submitters, no conflicts (2 of 4 stars). 3 submissions from 3 submitters: Uncertain significance (3). Last evaluated 2026-04-08.

Conditions:
IGHMBP2-related disorder. Also called: IGHMBP2-related condition; IGHMBP2-related disorders.
Inborn genetic diseases. Identifiers: MedGen C0950123, MeSH D030342.
Autosomal recessive distal spinal muscular atrophy 1. Also called: HMN VI; NEURONOPATHY, SEVERE INFANTILE AXONAL, WITH RESPIRATORY FAILURE; SEVERE INFANTILE AXONAL NEUROPATHY WITH RESPIRATORY FAILURE; SPINAL MUSCULAR ATROPHY, DIAPHRAGMATIC; Spinal muscular atrophy with respiratory distress 1; NEURONOPATHY, DISTAL HEREDITARY MOTOR, HARDING TYPE VI. Identifiers: Orphanet 98920, MedGen C1858517, MONDO:0011436, OMIM 604320.
Charcot-Marie-Tooth disease axonal type 2S. Also called: CHARCOT-MARIE-TOOTH NEUROPATHY, TYPE 2S; CHARCOT-MARIE-TOOTH DISEASE, AXONAL, AUTOSOMAL RECESSIVE, TYPE 2S. Identifiers: Orphanet 443073, MedGen C4015349, MONDO:0014511, OMIM 616155.

Allele frequency attached by ClinVar (database versions not stated): gnomAD 0.00003; TOPMed 0.00009.
gnomAD v4.1: 14 of 1,566,356 alleles (0.00089%); highest among the groups gnomAD compares: African/African-American, 0.018%; no homozygotes.

Submissions (3):

PreventionGenetics, part of Exact Sciences
Classification: Uncertain significance for IGHMBP2-related condition. Last evaluated: 2026-04-08. Review status: criteria provided, single submitter. Criteria: ACMG Guidelines, 2015. Collection method: clinical testing. Allele origin: germline.
Comment: The IGHMBP2 c.4G>T variant is predicted to result in the amino acid substitution p.Ala2Ser. To our knowledge, this variant has not been reported in the literature. This variant is reported in 0.011% of alleles in individuals of African descent in gnomAD. At this time, the clinical significance of this variant is uncertain due to the absence of conclusive functional and genetic evidence.

Ambry Genetics
Classification: Uncertain significance for Inborn genetic diseases. Last evaluated: 2023-03-14. Review status: criteria provided, single submitter. Criteria: Ambry Variant Classification Scheme 2023. Collection method: clinical testing. Allele origin: germline.

Labcorp Genetics (formerly Invitae), Labcorp
Classification: Uncertain significance for Autosomal recessive distal spinal muscular atrophy 1; Charcot-Marie-Tooth disease axonal type 2S. Last evaluated: 2021-08-30. Review status: criteria provided, single submitter. Criteria: Invitae Variant Classification Sherloc (09022015). Collection method: clinical testing. Allele origin: germline.
Comment: This sequence change replaces alanine with serine at codon 2 of the IGHMBP2 protein (p.Ala2Ser). The alanine residue is weakly conserved and there is a moderate physicochemical difference between alanine and serine. This variant is not present in population databases (ExAC no frequency). This variant has not been reported in the literature in individuals affected with IGHMBP2-related conditions. Algorithms developed to predict the effect of missense changes on protein structure and function (SIFT, PolyPhen-2, Align-GVGD) all suggest that this variant is likely to be tolerated. In summary, the available evidence is currently insufficient to determine the role of this variant in disease. Therefore, it has been classified as a Variant of Uncertain Significance.